The following is an entry in ClinVar:

ClinVar aggregate classification (germline): Uncertain significance (1 of 4 stars; one submission).

Conditions:
Fanconi anemia complementation group Q. Identifiers: Orphanet 84, MedGen C3808988, MONDO:0014108, OMIM 615272.

Allele frequency attached by ClinVar (database versions not stated): TOPMed below 0.00001; gnomAD exomes 0.00001.

Submission:

St. Jude Molecular Pathology, St. Jude Children's Research Hospital
Classification: Uncertain significance for Fanconi anemia complementation group Q. Last evaluated: 2023-01-09. Review status: criteria provided, single submitter. Criteria: St. Jude Assertion Criteria 2020. Collection method: clinical testing. Allele origin: germline.
Comment: The ERCC4 c.1A>G (p.Met1?) change results in a A>G substitution at the 1 position of exon 1 of the ERCC4 gene. This results in loss of the initiation codon in a gene for which loss-of-function is a known mechanism of disease, however a downstream methionine exists. This variant has a maximum subpopulation frequency of 0.0033% in gnomAD v2.1.1 and other start loss variants in ERCC4 are also present in the gnomAD database. To our knowledge, this variant has not been reported in individuals with Fanconi anemia or Xeroderma pigmentosum. In summary, the evidence currently available is insufficient to determine the clinical significance of this variant. It has therefore been classified as of uncertain significance.

NM_005236.3(ERCC4):c.1A>G (p.Met1Val)

Genes: ERCC4 (ERCC excision repair 4, endonuclease catalytic subunit; plus strand), LOC130058543 (ATAC-STARR-seq lymphoblastoid active region 10486; plus strand). Cytogenetic location: 16p13.12.
Variant type: single nucleotide variant.
Coding change: c.1A>G on transcript NM_005236.3 (MANE Select); coding-DNA position 1, A replaced by G.
Protein change: p.Met1Val; changes the start codon (methionine 1).
Molecular consequence: missense variant, initiator codon variant.
Genome position (GRCh38, 1-based): chr16:13,920,166, A>G. VCF-style: chr16-13920166-A-G. GRCh37 (hg19) VCF-style: chr16-14014023-A-G.
Other names: short protein forms M1V.
Identifiers: ClinVar variation 2444864 (VCV002444864.2), dbSNP rs543978998, ClinGen allele CA394815713.